The following is an entry in ClinVar:

NM_001184880.2(PCDH19):c.3432G>C (p.Lys1144Asn)

Gene: PCDH19 (protocadherin 19; minus strand). Cytogenetic location: Xq22.1.
Variant type: single nucleotide variant.
Coding change: c.3432G>C on transcript NM_001184880.2 (MANE Select); coding-DNA position 3432, G replaced by C.
Protein change: p.Lys1144Asn; replaces lysine 1144 with asparagine.
Molecular consequence: missense variant.
Genome position (GRCh38, 1-based): chrX:100,296,292, C>G on the plus strand (G>C on the coding strand, the complement: PCDH19 is on the minus strand). VCF-style: chrX-100296292-C-G. GRCh37 (hg19) VCF-style: chrX-99551290-C-G.
Other names: c.3291G>C, p.Lys1097Asn (NM_001105243.2); c.3288G>C, p.Lys1096Asn (NM_020766.3); short protein forms K1096N, K1097N, K1144N.
Identifiers: ClinVar variation 2502081 (VCV002502081.1), dbSNP rs2520441205, ClinGen allele CA413999333.

ClinVar aggregate classification (germline): Uncertain significance (1 of 4 stars; one submission).

Submission:

GeneDx
Classification: Uncertain significance. Last evaluated: 2022-11-14. Review status: criteria provided, single submitter. Criteria: GeneDx Variant Classification Process June 2021. Collection method: clinical testing. Allele origin: germline. Affected: yes.
Comment: Not observed at significant frequency in large population cohorts (gnomAD); Missense variants in this gene are often considered pathogenic (HGMD); In silico analysis supports that this missense variant does not alter protein structure/function; Has not been previously published as pathogenic or benign to our knowledge